The following is an entry in ClinVar:

NM_022041.4(GAN):c.863C>G (p.Pro288Arg)

Gene: GAN (gigaxonin; plus strand). Cytogenetic location: 16q23.2.
Variant type: single nucleotide variant.
Coding change: c.863C>G on transcript NM_022041.4 (MANE Select); coding-DNA position 863, C replaced by G.
Protein change: p.Pro288Arg; replaces proline 288 with arginine.
Molecular consequence: missense variant.
Genome position (GRCh38, 1-based): chr16:81,357,821, C>G. VCF-style: chr16-81357821-C-G. GRCh37 (hg19) VCF-style: chr16-81391426-C-G.
Other names: c.224C>G, p.Pro75Arg (NM_001377486.1); short protein forms P288R, P75R.
Identifiers: ClinVar variation 3907229 (VCV003907229.1).

ClinVar aggregate classification (germline): Uncertain significance (1 of 4 stars; one submission).

gnomAD v4.1: 2 of 1,613,518 alleles (0.00012%); highest among the groups gnomAD compares: Non-Finnish European, 0.00017%; no homozygotes.

Submission:

Women's Health and Genetics/Laboratory Corporation of America, LabCorp
Classification: Uncertain significance. Last evaluated: 2025-06-10. Review status: criteria provided, single submitter. Criteria: LabCorp Variant Classification Summary - May 2015. Collection method: clinical testing. Allele origin: germline.
Comment: Variant summary: GAN c.863C>G (p.Pro288Arg) results in a non-conservative amino acid change in the encoded protein sequence. Algorithms developed to predict the effect of missense changes on protein structure and function are either unavailable or do not agree on the potential impact of this missense change. The variant allele was found at a frequency of 4e-06 in 251492 control chromosomes (gnomAD). The available data on variant occurrences in the general population are insufficient to allow any conclusion about variant significance. To our knowledge, no occurrence of c.863C>G in individuals affected with Giant axonal neuropathy 1 and no experimental evidence demonstrating its impact on protein function have been reported. No submitters have cited clinical-significance assessments for this variant to ClinVar. Based on the evidence outlined above, the variant was classified as uncertain significance.